The following is an entry in ClinVar:

ClinVar aggregate classification (germline): Uncertain significance (0 of 4 stars; one submission).

Conditions:
VPS13C-related disorder. Also called: VPS13C-related condition.

Submission:

PreventionGenetics, part of Exact Sciences
Classification: Uncertain significance for VPS13C-related condition. Last evaluated: 2024-05-16. Review status: no assertion criteria provided. Collection method: clinical testing. Allele origin: germline.
Comment: The VPS13C c.4576A>T variant is predicted to result in the amino acid substitution p.Ser1526Cys. To our knowledge, this variant has not been reported in the literature or in a large population database, indicating this variant is rare. At this time, the clinical significance of this variant is uncertain due to the absence of conclusive functional and genetic evidence.

NM_020821.3(VPS13C):c.4576A>T (p.Ser1526Cys)

Gene: VPS13C (vacuolar protein sorting 13 homolog C; minus strand). Cytogenetic location: 15q22.2.
Variant type: single nucleotide variant.
Coding change: c.4576A>T on transcript NM_020821.3 (MANE Select); coding-DNA position 4576, A replaced by T.
Protein change: p.Ser1526Cys; replaces serine 1526 with cysteine.
Molecular consequence: missense variant.
Genome position (GRCh38, 1-based): chr15:61,950,378, T>A on the plus strand (A>T on the coding strand, the complement: VPS13C is on the minus strand). VCF-style: chr15-61950378-T-A. GRCh37 (hg19) VCF-style: chr15-62242577-T-A.
Other names: c.4576A>T, p.Ser1526Cys (NM_001018088.3); c.4447A>T, p.Ser1483Cys (NM_017684.5, NM_018080.4); short protein forms S1483C, S1526C.
Identifiers: ClinVar variation 3350951 (VCV003350951.1).